The following is an entry in ClinVar:

NM_001355436.2(SPTB):c.5350G>A (p.Glu1784Lys)

Gene: SPTB (spectrin beta, erythrocytic; minus strand). Cytogenetic location: 14q23.3.
Variant type: single nucleotide variant.
Coding change: c.5350G>A on transcript NM_001355436.2 (MANE Select); coding-DNA position 5350, G replaced by A.
Protein change: p.Glu1784Lys; replaces glutamic acid 1784 with lysine.
Molecular consequence: missense variant.
Genome position (GRCh38, 1-based): chr14:64,772,783, C>T on the plus strand (G>A on the coding strand, the complement: SPTB is on the minus strand). VCF-style: chr14-64772783-C-T. GRCh37 (hg19) VCF-style: chr14-65239501-C-T.
Other names: c.5350G>A, p.Glu1784Lys (NM_001024858.4, NM_001355437.2); short protein forms E1784K.
Identifiers: ClinVar variation 1718024 (VCV001718024.5), dbSNP rs2503056825, ClinGen allele CA390041112.

ClinVar aggregate classification (germline): Uncertain significance (1 of 4 stars; one submission).

Submission:

Labcorp Genetics (formerly Invitae), Labcorp
Classification: Uncertain significance. Last evaluated: 2025-12-23. Review status: criteria provided, single submitter. Criteria: Invitae Variant Classification Sherloc (09022015). Collection method: clinical testing. Allele origin: germline.
Comment: This sequence change replaces glutamic acid, which is acidic and polar, with lysine, which is basic and polar, at codon 1784 of the SPTB protein (p.Glu1784Lys). This variant is not present in population databases (gnomAD no frequency). This missense change has been observed in individual(s) with hereditary spherocytosis (PMID: 37385619). ClinVar contains an entry for this variant (Variation ID: 1718024). An algorithm developed to predict the effect of missense changes on protein structure and function (PolyPhen-2) suggests that this variant is likely to be disruptive. In summary, the available evidence is currently insufficient to determine the role of this variant in disease. Therefore, it has been classified as a Variant of Uncertain Significance.

Literature cited by the submitters: PubMed 37385619.